The following is an entry in ClinVar:

ClinVar aggregate classification (germline): Uncertain significance (0 of 4 stars; one submission).

Conditions:
KAT6B-related disorder. Also called: KAT6B-related disorders; KAT6B-related condition.

Submission:

PreventionGenetics, part of Exact Sciences
Classification: Uncertain significance for KAT6B-related condition. Last evaluated: 2023-11-22. Review status: no assertion criteria provided. Collection method: clinical testing. Allele origin: germline.
Comment: The KAT6B c.2065A>G variant is predicted to result in the amino acid substitution p.Thr689Ala. To our knowledge, this variant has not been reported in the literature or in a large population database, indicating this variant is rare. At this time, the clinical significance of this variant is uncertain due to the absence of conclusive functional and genetic evidence.

NM_012330.4(KAT6B):c.2065A>G (p.Thr689Ala)

Gene: KAT6B (lysine acetyltransferase 6B; plus strand). Cytogenetic location: 10q22.2.
Variant type: single nucleotide variant.
Coding change: c.2065A>G on transcript NM_012330.4 (MANE Select); coding-DNA position 2065, A replaced by G.
Protein change: p.Thr689Ala; replaces threonine 689 with alanine.
Molecular consequence: missense variant. On other transcripts: intron variant (3).
Genome position (GRCh38, 1-based): chr10:74,977,387, A>G. VCF-style: chr10-74977387-A-G. GRCh37 (hg19) VCF-style: chr10-76737145-A-G.
Other names: c.1516A>G, p.Thr506Ala (NM_001256468.2, NM_001370138.1); c.1189A>G, p.Thr397Ala (NM_001256469.2, NM_001370132.1, NM_001370139.1 and 3 more transcripts); c.2065A>G, p.Thr689Ala (NM_001370136.1, NM_001370137.1); c.1000A>G, p.Thr334Ala (NM_001370143.1, NM_001370144.1); c.846+7612A>G (NM_001370133.1); c.193-1837A>G (NM_001370134.1); c.193-11632A>G (NM_001370135.1); short protein forms T334A, T397A, T506A, T689A.
Identifiers: ClinVar variation 3032149 (VCV003032149.2), dbSNP rs2548964677, ClinGen allele CA377290378.